The following is an entry in ClinVar:

ClinVar aggregate classification (germline): Uncertain significance. Review status: criteria provided, multiple submitters, no conflicts (2 of 4 stars). 2 submissions from 2 submitters: Uncertain significance (2). Last evaluated 2025-09-19.

Conditions:
Hereditary cancer-predisposing syndrome. Also called: Hereditary Cancer Syndrome; Neoplastic Syndromes, Hereditary; Tumor predisposition; Hereditary neoplastic syndrome. Identifiers: Orphanet 140162, MedGen C0027672, MeSH D009386, MONDO:0015356.
Retinoblastoma (RB1). Also called: RETINOBLASTOMA, SOMATIC. Identifiers: Orphanet 790, MedGen C0035335, MeSH D012175, MONDO:0008380, OMIM 180200, HP:0009919. Disease mechanism: loss of function. Inheritance: Both sporadic and heritable forms are tested..

Allele frequency attached by ClinVar (database versions not stated): gnomAD exomes below 0.00001.
gnomAD v4.1: 2 of 1,591,718 alleles (0.00013%); highest among the groups gnomAD compares: Non-Finnish European, 0.00017%; no homozygotes.

Submissions (2):

Ambry Genetics
Classification: Uncertain significance for Hereditary cancer-predisposing syndrome. Last evaluated: 2025-09-19. Review status: criteria provided, single submitter. Criteria: Ambry Variant Classification Scheme 2023. Collection method: clinical testing. Allele origin: germline.
Comment: The c.2489+5G>C intronic variant results from a G to C substitution 5 nucleotides after coding exon 23 in the RB1 gene. This nucleotide position is highly conserved in available vertebrate species. In silico splice site analysis predicts that this alteration will weaken the native splice donor site. Based on the available evidence, the clinical significance of this variant remains unclear.

Labcorp Genetics (formerly Invitae), Labcorp
Classification: Uncertain significance for Retinoblastoma. Last evaluated: 2023-05-29. Review status: criteria provided, single submitter. Criteria: Invitae Variant Classification Sherloc (09022015). Collection method: clinical testing. Allele origin: germline.
Comment: Variants that disrupt the consensus splice site are a relatively common cause of aberrant splicing (PMID: 17576681, 9536098). Algorithms developed to predict the effect of sequence changes on RNA splicing suggest that this variant may disrupt the consensus splice site. In summary, the available evidence is currently insufficient to determine the role of this variant in disease. Therefore, it has been classified as a Variant of Uncertain Significance. This variant has not been reported in the literature in individuals affected with RB1-related conditions. This variant is not present in population databases (gnomAD no frequency). This sequence change falls in intron 23 of the RB1 gene. It does not directly change the encoded amino acid sequence of the RB1 protein. It affects a nucleotide within the consensus splice site.

Literature cited by the submitters: PubMed 17576681 (cited by Labcorp Genetics (formerly Invitae), Labcorp); PubMed 9536098 (cited by Labcorp Genetics (formerly Invitae), Labcorp).

NM_000321.3(RB1):c.2489+5G>C

Gene: RB1 (RB transcriptional corepressor 1; plus strand). Cytogenetic location: 13q14.2.
Variant type: single nucleotide variant.
Coding change: c.2489+5G>C on transcript NM_000321.3 (MANE Select); 5 bases into the intron after coding-DNA position 2489, G replaced by C.
Molecular consequence: intron variant.
Genome position (GRCh38, 1-based): chr13:48,465,373, G>C. VCF-style: chr13-48465373-G-C. GRCh37 (hg19) VCF-style: chr13-49039509-G-C.
Other names: c.2489+5G>C (NM_001407165.1, NM_000321.2).
Identifiers: ClinVar variation 2746268 (VCV002746268.4), dbSNP rs1949434078, ClinGen allele CA2622985882.